The following is an entry in ClinVar:

ClinVar aggregate classification (germline): Uncertain significance. Review status: criteria provided, multiple submitters, no conflicts (2 of 4 stars). 2 submissions from 2 submitters: Uncertain significance (2). Last evaluated 2022-08-23.

Allele frequency attached by ClinVar (database versions not stated): gnomAD exomes below 0.00001; gnomAD 0.00001.
gnomAD v4.1: 3 of 1,614,106 alleles (0.00019%); highest among the groups gnomAD compares: Non-Finnish European, 0.00025%; no homozygotes.

Submissions (2):

Labcorp Genetics (formerly Invitae), Labcorp
Classification: Uncertain significance. Last evaluated: 2022-08-23. Review status: criteria provided, single submitter. Criteria: Invitae Variant Classification Sherloc (09022015). Collection method: clinical testing. Allele origin: germline.
Comment: This sequence change replaces threonine, which is neutral and polar, with isoleucine, which is neutral and non-polar, at codon 486 of the PTPN23 protein (p.Thr486Ile). This variant is present in population databases (no rsID available, gnomAD 0.007%). In summary, the available evidence is currently insufficient to determine the role of this variant in disease. Therefore, it has been classified as a Variant of Uncertain Significance. Algorithms developed to predict the effect of missense changes on protein structure and function are either unavailable or do not agree on the potential impact of this missense change (SIFT: "Tolerated"; PolyPhen-2: "Not Available"; Align-GVGD: "Class C0"). ClinVar contains an entry for this variant (Variation ID: 1334717). This variant has not been reported in the literature in individuals affected with PTPN23-related conditions.

Greenwood Genetic Center Diagnostic Laboratories, Greenwood Genetic Center
Classification: Uncertain significance. Last evaluated: 2021-12-30. Review status: criteria provided, single submitter. Criteria: ACMG Guidelines, 2015. Collection method: clinical testing. Allele origin: germline. Affected: yes.
Comment: BP4, PM2

NM_015466.4(PTPN23):c.1457C>T (p.Thr486Ile)

Gene: PTPN23 (protein tyrosine phosphatase non-receptor type 23; plus strand). Cytogenetic location: 3p21.31.
Variant type: single nucleotide variant.
Coding change: c.1457C>T on transcript NM_015466.4 (MANE Select); coding-DNA position 1457, C replaced by T.
Protein change: p.Thr486Ile; replaces threonine 486 with isoleucine.
Molecular consequence: missense variant.
Genome position (GRCh38, 1-based): chr3:47,408,902, C>T. VCF-style: chr3-47408902-C-T. GRCh37 (hg19) VCF-style: chr3-47450392-C-T.
Other names: c.1079C>T, p.Thr360Ile (NM_001304482.2); short protein forms T360I, T486I.
Identifiers: ClinVar variation 1334717 (VCV001334717.8), dbSNP rs1255328419, ClinGen allele CA352553906.